The following is an entry in ClinVar:

NM_024426.6(WT1):c.487A>G (p.Ser163Gly)

Genes: WT1 (WT1 transcription factor; minus strand), LOC107982234 (WT1/WT1-AS bi-directional promoter region; plus strand). Cytogenetic location: 11p13.
Variant type: single nucleotide variant.
Coding change: c.487A>G on transcript NM_024426.6 (MANE Select); coding-DNA position 487, A replaced by G.
Protein change: p.Ser163Gly; replaces serine 163 with glycine.
Molecular consequence: missense variant. On other transcripts: non-coding transcript variant (2).
Genome position (GRCh38, 1-based): chr11:32,434,874, T>C on the plus strand (A>G on the coding strand, the complement: WT1 is on the minus strand). VCF-style: chr11-32434874-T-C. GRCh37 (hg19) VCF-style: chr11-32456420-T-C.
Other names: c.487A>G, p.Ser163Gly (NM_001407049.1, NM_001407050.1, NM_024424.5 and 6 more transcripts); c.268A>G, p.Ser90Gly (NM_001429031.1, NM_001429032.1, NM_001429033.1 and 1 more transcripts); c.472A>G (NM_024426.4); short protein forms S158G, S163G, S90G.
Identifiers: ClinVar variation 3756033 (VCV003756033.3).

ClinVar aggregate classification (germline): Uncertain significance. Review status: criteria provided, multiple submitters, no conflicts (2 of 4 stars). 2 submissions from 2 submitters: Uncertain significance (2). Last evaluated 2026-07-07.

Conditions:
Inborn genetic diseases. Identifiers: MedGen C0950123, MeSH D030342.
Drash syndrome (DDS). Also called: NEPHROPATHY, WILMS TUMOR, AND GENITAL ANOMALIES; WILMS TUMOR AND PSEUDO- OR TRUE HERMAPHRODITISM. Identifiers: Orphanet 220, MedGen C0950121, MONDO:0008682, OMIM 194080.
Wilms tumor 1 (WT1). Also called: Wilms tumor, somatic. Identifiers: Orphanet 654, MedGen CN033288, MONDO:0008679, OMIM 194070.
11p partial monosomy syndrome (WAGR). Also called: CHROMOSOME 11p13 DELETION SYNDROME; WAGR syndrome; WAGR Complex; WAGR Spectrum Disorder. Identifiers: Orphanet 893, MedGen C0206115, MONDO:0008681, OMIM 194072.
Frasier syndrome. Identifiers: Orphanet 347, MedGen C0950122, MeSH D052159, MONDO:0007635, OMIM 136680.

Submissions (2):

Ambry Genetics
Classification: Uncertain significance for Inborn genetic diseases. Last evaluated: 2026-07-07. Review status: criteria provided, single submitter. Criteria: Ambry Variant Classification Scheme 2023. Collection method: clinical testing. Allele origin: germline.
Comment: The p.S158G variant (also known as c.472A>G), located in coding exon 1 of the WT1 gene, results from an A to G substitution at nucleotide position 472. The serine at codon 158 is replaced by glycine, an amino acid with similar properties. This amino acid position is conserved. In addition, this alteration is predicted to be tolerated by in silico analysis. Based on the available evidence, the clinical significance of this variant remains unclear.

Labcorp Genetics (formerly Invitae), Labcorp
Classification: Uncertain significance for Wilms tumor 1; Drash syndrome; 11p partial monosomy syndrome; Frasier syndrome. Last evaluated: 2024-09-27. Review status: criteria provided, single submitter. Criteria: Invitae Variant Classification Sherloc (09022015). Collection method: clinical testing. Allele origin: germline.
Comment: This sequence change replaces serine, which is neutral and polar, with glycine, which is neutral and non-polar, at codon 158 of the WT1 protein (p.Ser158Gly). This variant is not present in population databases (gnomAD no frequency). This variant has not been reported in the literature in individuals affected with WT1-related conditions. An algorithm developed to predict the effect of missense changes on protein structure and function (PolyPhen-2) suggests that this variant is likely to be disruptive. In summary, the available evidence is currently insufficient to determine the role of this variant in disease. Therefore, it has been classified as a Variant of Uncertain Significance.